The following continues an entry in ClinVar:

NM_000303.3(PMM2):c.484C>T (p.Arg162Trp)

Gene: PMM2. ClinVar aggregate classification (germline): Pathogenic/Likely pathogenic. Pathogenic (14); Likely pathogenic (1).

Submissions 12 to 17 of 17:

Institute of Human Genetics, University of Leipzig Medical Center
Classification: Pathogenic for PMM2-congenital disorder of glycosylation. Last evaluated: 2021-10-29. Review status: criteria provided, single submitter. Criteria: ACMG Guidelines, 2015. Collection method: clinical testing. Allele origin: unknown. Affected: yes.
Comment: This variant was identified heterozygous with NM_000303.3:c.47C>T._x000D_ Criteria applied: PM3_VSTR, PS3_MOD, PM2_SUP, PP3

SIB Swiss Institute of Bioinformatics
Classification: Likely pathogenic for PMM2-congenital disorder of glycosylation. Last evaluated: 2018-05-31. Review status: criteria provided, single submitter. Criteria: ACMG Guidelines, 2015. Collection method: curation. Allele origin: unknown.
Comment: This variant is interpreted as a Likely Pathogenic, for Congenital disorder of glycosylation, type Ia, in Autosomal Recessive manner. The following ACMG Tag(s) were applied: PM2 => Absent from controls (or at extremely low frequency if recessive) in Exome Sequencing Project, 1000 Genomes Project, or Exome Aggregation Consortium. PM3 => For recessive disorders, detected in trans with a pathogenic variant (PMID:21541725). PS3 => Well-established functional studies show a deleterious effect (PMID:21541725,10386614).

3billion
Classification: Pathogenic for PMM2-congenital disorder of glycosylation. Review status: criteria provided, single submitter. Criteria: ACMG Guidelines, 2015. Collection method: clinical testing. Allele origin: unknown. Affected: yes. Observed: 1 heterozygote.
Comment: The variant is observed at an extremely low frequency in the gnomAD v2.1.1 dataset (total allele frequency: 0.002%). Functional studies provide strong evidence of the variant having a damaging effect on the gene or gene product (PMID: 10386614, 26014514). In silico tool predictions suggest damaging effect of the variant on gene or gene product (REVEL: 0.70; 3Cnet: 0.88). Same nucleotide change resulting in same amino acid change has been previously reported as pathogenic/likely pathogenic with strong evidence (ClinVar ID: VCV000007709 / PMID: 9140401). The variant has been reported to be in trans with a pathogenic variant as either compound heterozygous or homozygous in at least one similarly affected unrelated individual (PMID: 21541725). Therefore, this variant is classified as Pathogenic according to the recommendation of ACMG/AMP guideline.

Juno Genomics, Hangzhou Juno Genomics, Inc
Classification: Pathogenic for PMM2-congenital disorder of glycosylation. Review status: criteria provided, single submitter. Criteria: ACMG Guidelines, 2015. Collection method: clinical testing. Allele origin: germline.
Comment: Absent from controls (or at extremely low frequency if recessive) in Genome Aggregation Database.;For recessive disorders, detected in trans with a pathogenic variant.;Patient's phenotype or family history is highly specific for a disease with a single genetic etiology.;Well-established in vitro or in vivo functional studies supportive of a damaging effect on the gene or gene product.

Counsyl
Classification: Likely pathogenic for Carbohydrate-deficient glycoprotein syndrome type I. Last evaluated: 2014-05-16. Review status: no assertion criteria provided. Collection method: literature only. Allele origin: unknown. Inheritance: Autosomal recessive inheritance. Not counted in ClinVar's aggregate classification.

OMIM
Classification: Pathogenic for CONGENITAL DISORDER OF GLYCOSYLATION, TYPE Ia. Last evaluated: 1997-05-01. Review status: no assertion criteria provided. Collection method: literature only. Allele origin: germline. Not counted in ClinVar's aggregate classification.

Literature cited by the submitters: PubMed 9140401 (cited by 7 submitters); PubMed 9497260 (cited by Labcorp Genetics (formerly Invitae), Labcorp and Dasa); PubMed 15844218 (cited by 3 submitters); PubMed 17166182 (cited by 3 submitters); PubMed 21541725 (cited by 6 submitters); PubMed 10386614 (cited by 5 submitters); PubMed 26014514 (cited by 4 submitters); PubMed 28915903 (cited by Victorian Clinical Genetics Services, Murdoch Childrens Research Institute); PubMed 30406445 (cited by Victorian Clinical Genetics Services, Murdoch Childrens Research Institute and Women's Health and Genetics/Laboratory Corporation of America, LabCorp); PubMed 33340551 (cited by Women's Health and Genetics/Laboratory Corporation of America, LabCorp); PubMed 33643843 (cited by Women's Health and Genetics/Laboratory Corporation of America, LabCorp); PubMed 18948042 (cited by Counsyl); PubMed 23430838 (cited by Counsyl); PubMed 11156536 (cited by Counsyl).